The following is an entry in ClinVar:

ClinVar aggregate classification (germline): Conflicting classifications of pathogenicity. Review status: criteria provided, conflicting classifications (1 of 4 stars). 4 submissions from 4 submitters: Uncertain significance (1); Benign (1); Likely benign (1). 1 of the submissions does not count toward it. Last evaluated 2025-10-27.

Conditions:
KIF1A-related disorder. Also called: KIF1A-related disorders; KIF1A-related condition.
Neuropathy, hereditary sensory, type 2C. Also called: Hereditary sensory and autonomic neuropathy type IIC; KIF1A-Related HSAN2 (HSAN2C). Identifiers: Orphanet 970, MedGen C3280168, MONDO:0013634, OMIM 614213.
Intellectual disability, autosomal dominant 9 (NESCAVS). Also called: NESCAV SYNDROME; KIF1A-Related Neurodevelopmental Disorder. Identifiers: Orphanet 662367, MedGen C5393830, MONDO:0013656, OMIM 614255.
Hereditary spastic paraplegia 30. Identifiers: Orphanet 101010, MedGen C5235139, MONDO:0012476.
Hereditary spastic paraplegia. Also called: Familial spastic paraparesis. Identifiers: Orphanet 685, MedGen C0037773, MONDO:0019064. Disease mechanism: loss of function.

Allele frequency attached by ClinVar (database versions not stated): TOPMed below 0.00001; gnomAD 0.00001; gnomAD exomes 0.00008; ExAC 0.00013.
gnomAD v4.1: 54 of 1,607,360 alleles (0.0034%); highest among the groups gnomAD compares: South Asian, 0.038%; 1 homozygote.

Submissions (4):

Labcorp Genetics (formerly Invitae), Labcorp
Classification: Benign for Hereditary spastic paraplegia 30; Neuropathy, hereditary sensory, type 2C; Intellectual disability, autosomal dominant 9. Last evaluated: 2025-10-27. Review status: criteria provided, single submitter. Criteria: Invitae Variant Classification Sherloc (09022015). Collection method: clinical testing. Allele origin: germline.

GeneDx
Classification: Likely benign. Last evaluated: 2017-11-24. Review status: criteria provided, single submitter. Criteria: GeneDx Variant Classification (06012015). Collection method: clinical testing. Allele origin: germline. Affected: yes.
Comment: This variant is considered likely benign or benign based on one or more of the following criteria: it is a conservative change, it occurs at a poorly conserved position in the protein, it is predicted to be benign by multiple in silico algorithms, and/or has population frequency not consistent with disease.

Genome Diagnostics Laboratory, The Hospital for Sick Children
Classification: Uncertain significance for Hereditary spastic paraplegia. Last evaluated: 2016-12-12. Review status: criteria provided, single submitter. Criteria: ACMG Guidelines, 2015. Collection method: clinical testing. Allele origin: germline. Affected: yes.

PreventionGenetics, part of Exact Sciences
Classification: Likely benign for KIF1A-related condition. Last evaluated: 2019-04-08. Review status: no assertion criteria provided. Collection method: clinical testing. Allele origin: germline. Not counted in ClinVar's aggregate classification.
Comment: This variant is classified as likely benign based on ACMG/AMP sequence variant interpretation guidelines (Richards et al. 2015 PMID: 25741868, with internal and published modifications).

NM_001244008.2(KIF1A):c.2582+7G>A

Gene: KIF1A (kinesin family member 1A; minus strand). Cytogenetic location: 2q37.3.
Variant type: single nucleotide variant.
Coding change: c.2582+7G>A on transcript NM_001244008.2 (MANE Select); 7 bases into the intron after coding-DNA position 2582, G replaced by A.
Molecular consequence: intron variant.
Genome position (GRCh38, 1-based): chr2:240,758,353, C>T on the plus strand (G>A on the coding strand, the complement: KIF1A is on the minus strand). VCF-style: chr2-240758353-C-T. GRCh37 (hg19) VCF-style: chr2-241697770-C-T.
Other names: c.2555+7G>A (NM_001379653.1, NM_001379650.1, NM_001379645.1 and 10 more transcripts); c.2657+7G>A (NM_001379635.1, NM_001330290.2, NM_001379646.1 and 2 more transcripts); c.2630+7G>A (NM_001379637.1, NM_001379648.1); c.2582+7G>A (NM_001320705.2, NM_001379638.1, NM_001330289.2 and 1 more transcripts).
Identifiers: ClinVar variation 513625 (VCV000513625.17), dbSNP rs781439626, ClinGen allele CA2208067.
Genomic context (GRCh38, chr2:240,758,353, plus strand): 5'-TCCTACCCCCACTGCCATCTCTCTCTCTCAATCTCTCTCTCTGCCAAGGAAGGGAGGAGG[C>T]GCCCACCTGCCCACCAGCCGGAACCAGGGGAAGCGGTCATAGAAGGGGTCTCCGCCGGTC-3'